The following is an entry in ClinVar:

ClinVar aggregate classification (germline): Uncertain significance (1 of 4 stars; one submission).

Allele frequency attached by ClinVar (database versions not stated): gnomAD 0.00001.

Submission:

CeGaT Center for Human Genetics Tuebingen
Classification: Uncertain significance. Last evaluated: 2023-03-01. Review status: criteria provided, single submitter. Criteria: CeGaT Center For Human Genetics Tuebingen Variant Classification Criteria Version 2. Collection method: clinical testing. Allele origin: germline. Affected: yes. Observed: 1 variant allele.
Comment: HYDIN: PM2, BP4

NM_001270974.2(HYDIN):c.2317A>T (p.Thr773Ser)

Gene: HYDIN (HYDIN axonemal central pair apparatus protein; minus strand). Cytogenetic location: 16q22.2.
Variant type: single nucleotide variant.
Coding change: c.2317A>T on transcript NM_001270974.2 (MANE Select); coding-DNA position 2317, A replaced by T.
Protein change: p.Thr773Ser; replaces threonine 773 with serine.
Molecular consequence: missense variant.
Genome position (GRCh38, 1-based): chr16:71,062,228, T>A on the plus strand (A>T on the coding strand, the complement: HYDIN is on the minus strand). VCF-style: chr16-71062228-T-A. GRCh37 (hg19) VCF-style: chr16-71096131-T-A.
Other names: c.2398A>T, p.Thr800Ser (NM_001198542.1); c.2368A>T, p.Thr790Ser (NM_001198543.1); c.2317A>T, p.Thr773Ser (NM_017558.5); short protein forms T773S, T790S, T800S.
Identifiers: ClinVar variation 2646787 (VCV002646787.24), dbSNP rs1301559779, ClinGen allele CA396636710.